The following is an entry in ClinVar:

ClinVar aggregate classification (germline): Conflicting classifications of pathogenicity. Review status: criteria provided, conflicting classifications (1 of 4 stars). 7 submissions from 7 submitters: Uncertain significance (4); Likely benign (1). 2 of the submissions do not count toward it. Last evaluated 2025-11-17.

Conditions:
Hereditary breast ovarian cancer syndrome. Also called: Hereditary breast and ovarian cancer syndrome; Hereditary breast and ovarian cancer; Hereditary breast and ovarian cancer syndrome (HBOC); Breast and ovarian cancer; Hereditary breast and/or ovarian cancer syndrome; BRCA1- and BRCA2-Associated Hereditary Breast and Ovarian Cancer. Identifiers: Orphanet 145, MedGen C0677776, MeSH D061325, MONDO:0003582. Disease mechanism: loss of function.
Familial cancer of breast. Also called: BREAST CANCER, FAMILIAL; Hereditary breast cancer; hereditary breast carcinoma. Identifiers: Orphanet 227535, MedGen C0346153, MONDO:0016419, OMIM 114480. Disease mechanism: loss of function.
Hereditary cancer-predisposing syndrome. Also called: Neoplastic Syndromes, Hereditary; Tumor predisposition; Hereditary neoplastic syndrome; Hereditary Cancer Syndrome. Identifiers: Orphanet 140162, MedGen C0027672, MeSH D009386, MONDO:0015356.
Breast-ovarian cancer, familial, susceptibility to, 2 (BROVCA2). Also called: BRCA2 Hereditary Breast and Ovarian Cancer. Identifiers: Orphanet 145, MedGen C2675520, MONDO:0012933, OMIM 612555. Disease mechanism: loss of function.

gnomAD v4.1: 2 of 1,509,816 alleles (0.00013%); highest among the groups gnomAD compares: South Asian, 0.0011%; no homozygotes.

Submissions (7):

Ambry Genetics
Classification: Uncertain significance for Hereditary cancer-predisposing syndrome. Last evaluated: 2025-11-17. Review status: criteria provided, single submitter. Criteria: Ambry Variant Classification Scheme 2023. Collection method: clinical testing. Allele origin: germline.
Comment: The p.G2281V variant (also known as c.6842G>T) is located in coding exon 11 of the BRCA2 gene. The glycine at codon 2281 is replaced by valine, an amino acid with dissimilar properties. This change occurs in the first base pair of coding exon 11 which makes it likely to have some effect on normal mRNA splicing. In silico splice site analysis predicts that this alteration will weaken the native splice acceptor site. This alteration has been shown to result in skipping of coding exon 11 (also known as exon 12 in the literature; Ambry internal data; Hujov&aacute; P et al. Mol. Biol. Rep., 2019 Jun;46:2877-2884; Grodeck&aacute; L et al. PLoS One. 2014 Feb 21;9(2):e89570; Hujov&aacute; P et al. Mol. Biol. Rep. 2019 Jun;46(3):2877-2884; Meulemans L et al. Cancer Res., 2020 Apr;80:1374-1386). The loss of coding exon 11 has intermediate effects on homology-directed DNA repair activity; however, the clinical impacts of this intermediate function are not yet clear (Meulemans L et al. Cancer Res., 2020 Apr;80:1374-1386). This alteration was reported as functional in a mouse embryonic stem cell survival and drug sensitivity assay (Biswas K. et al. NPJ Genom Med. 2020 Dec;5(1):52). A different variant that results in incomplete coding exon 11 skipping was identified in compound heterozygous state in a patient without apparent Fanconi Anemia suggesting exon 12 skipping is dispensable for clinically relevant function at a certain threshold (Meulemans L et al. Cancer Res., 2020 Apr;80:1374-1386; Li L et al. Hum. Mutat., 2009 Nov;30:1543-50). This amino acid position is highly conserved in available vertebrate species. In addition, the protein in silico prediction for this alteration is inconclusive. Since supporting evidence is limited at this time, the clinical significance of this alteration remains unclear.

Labcorp Genetics (formerly Invitae), Labcorp
Classification: Uncertain significance for Hereditary breast ovarian cancer syndrome. Last evaluated: 2025-07-31. Review status: criteria provided, single submitter. Criteria: Invitae Variant Classification Sherloc (09022015). Collection method: clinical testing. Allele origin: germline.
Comment: This sequence change replaces glycine, which is neutral and non-polar, with valine, which is neutral and non-polar, at codon 2281 of the BRCA2 protein (p.Gly2281Val). This variant is not present in population databases (gnomAD no frequency). This missense change has been observed in individual(s) with breast and ovarian cancer (PMID: 32046981). ClinVar contains an entry for this variant (Variation ID: 52212). An algorithm developed to predict the effect of missense changes on protein structure and function (PolyPhen-2) suggests that this variant is likely to be disruptive. Studies have shown this missense change is associated with skipping of exon 12, but one or more of the resulting mRNA isoform(s) may be naturally occurring (PMID: 24586880, 27060066; internal data). In summary, the available evidence is currently insufficient to determine the role of this variant in disease. Therefore, it has been classified as a Variant of Uncertain Significance.

MGZ Medical Genetics Center
Classification: Likely benign for Familial cancer of breast. Last evaluated: 2024-02-09. Review status: criteria provided, single submitter. Criteria: CSpec BRCA1/2ACMG Rules Specifications V1.1.0. Collection method: clinical testing. Allele origin: germline. Affected: yes.
Comment: ACMG codes applied following ENIGMA VCEP rules: BS3, BP2, PM2_SUP

Women's Health and Genetics/Laboratory Corporation of America, LabCorp
Classification: Uncertain significance. Last evaluated: 2021-04-10. Review status: criteria provided, single submitter. Criteria: LabCorp Variant Classification Summary - May 2015. Collection method: clinical testing. Allele origin: germline.
Comment: Variant summary: BRCA2 c.6842G>T (p.Gly2281Val) alters the first conserved nucleotide of exon 12 and results in a non-conservative amino acid change in the encoded protein sequence. Five of five in-silico tools predict a damaging effect of the variant on protein function. Several computational tools predict a significant impact on normal splicing: Three predict the variant weakens the adjacent canonical 3' acceptor site. Two predict the variant strengthens a cryptic exonic alternate 3' acceptor site. Although these specific predictions have not been confirmed by published functional studies, several studies have reported that this variant results in a complete in-frame skipping of exon 12 (example, Grodeck_2014, Meulmans_2020). The variant was absent in 244980 control chromosomes. The available data on variant occurrences in the general population are insufficient to allow any conclusion about variant significance. c.6842G>T has been reported in the literature in one individual affected with Hereditary Breast And Ovarian Cancer (example, Meulmans_2020). This report does not provide unequivocal conclusions about association of the variant with Hereditary Breast And Ovarian Cancer Syndrome. At-least four co-occurrences with another pathogenic variant have been reported in the BIC database, the literature and at our laboratory (BRCA2 c.9196C>T, p.Gln3066*, BIC database; BRCA2 c.9195_9196delinsAT, p.Phe3065_Gln3066delinsLeuTer, our laboratory and Meulmans_2020) providing supporting evidence for a benign role. These co-occurrences are suggestive of this variant occuring in cis with c.9195_9196delinsAT. At least two publications report experimental evidence evaluating an impact on protein function. The most pronounced variant effect results in >50%-90% of normal homology directed repair (HDR) activity in mouse embryonic stem cell based assays of BRCA2 variants that affect exon 12 splicing (example, Meulmans_2020, Biswas_2020). The functional studies are consistent with reports of an in-frame exon 12 skipped BRCA2 isoform that is expressed in normal blood and breast tissues. Four clinical diagnostic laboratories have submitted clinical-significance assessments for this variant to ClinVar after 2014 without evidence for independent evaluation. All laboratories classified the variant as uncertain significance. Some submitters cite overlapping evidence utilized in the context of this evaluation. Based on the evidence outlined above, the variant was classified as uncertain significance.

Quest Diagnostics Nichols Institute San Juan Capistrano
Classification: Uncertain significance. Last evaluated: 2019-11-14. Review status: criteria provided, single submitter. Criteria: Quest Diagnostics criteria. Collection method: clinical testing. Allele origin: unknown.

Counsyl
Classification: Uncertain significance for Breast-ovarian cancer, familial, susceptibility to, 2. Last evaluated: 2016-04-14. Review status: no assertion criteria provided. Collection method: clinical testing. Allele origin: unknown. Not counted in ClinVar's aggregate classification.

Breast Cancer Information Core (BIC) (BRCA2)
Classification: Uncertain significance for Breast-ovarian cancer, familial 2. Last evaluated: 2002-05-29. Review status: no assertion criteria provided. Collection method: clinical testing. Allele origin: germline. Affected: yes. Observed: 2 variant alleles. Not counted in ClinVar's aggregate classification.

Literature cited by the submitters: PubMed 19795481 (cited by Ambry Genetics and Quest Diagnostics Nichols Institute San Juan Capistrano); PubMed 24586880 (cited by 5 submitters); PubMed 30840204 (cited by Ambry Genetics and Quest Diagnostics Nichols Institute San Juan Capistrano); PubMed 32046981 (cited by 3 submitters); PubMed 33293522 (cited by Ambry Genetics and Women's Health and Genetics/Laboratory Corporation of America, LabCorp); PubMed 27060066 (cited by Labcorp Genetics (formerly Invitae), Labcorp); PubMed 21523855 (cited by Quest Diagnostics Nichols Institute San Juan Capistrano and Counsyl).

NM_000059.4(BRCA2):c.6842G>T (p.Gly2281Val)

Gene: BRCA2 (BRCA2 DNA repair associated; plus strand). Cytogenetic location: 13q13.1.
Variant type: single nucleotide variant.
Coding change: c.6842G>T on transcript NM_000059.4 (MANE Select); coding-DNA position 6842, G replaced by T.
Protein change: p.Gly2281Val; replaces glycine 2281 with valine.
Molecular consequence: missense variant.
Genome position (GRCh38, 1-based): chr13:32,344,558, G>T. VCF-style: chr13-32344558-G-T. GRCh37 (hg19) VCF-style: chr13-32918695-G-T.
Other names: short protein forms G2281V.
Identifiers: ClinVar variation 52212 (VCV000052212.20), dbSNP rs80358908, ClinGen allele CA024512.